The following is an entry in ClinVar:

ClinVar aggregate classification (germline): Uncertain significance (1 of 4 stars; one submission).

Allele frequency attached by ClinVar (database versions not stated): TOPMed below 0.00001; gnomAD 0.00001; ESP Exome Variant Server 0.00008.

Submission:

Labcorp Genetics (formerly Invitae), Labcorp
Classification: Uncertain significance. Last evaluated: 2022-10-17. Review status: criteria provided, single submitter. Criteria: Invitae Variant Classification Sherloc (09022015). Collection method: clinical testing. Allele origin: germline.
Comment: This sequence change replaces serine, which is neutral and polar, with leucine, which is neutral and non-polar, at codon 241 of the SIX5 protein (p.Ser241Leu). This variant is not present in population databases (gnomAD no frequency). This variant has not been reported in the literature in individuals affected with SIX5-related conditions. Algorithms developed to predict the effect of missense changes on protein structure and function (SIFT, PolyPhen-2, Align-GVGD) all suggest that this variant is likely to be disruptive. In summary, the available evidence is currently insufficient to determine the role of this variant in disease. Therefore, it has been classified as a Variant of Uncertain Significance.

NM_175875.5(SIX5):c.722C>T (p.Ser241Leu)

Genes: SIX5 (SIX homeobox 5; minus strand), DM1-AS (DM1 locus antisense RNA; plus strand), LOC107075317 (origin of replication in DMPK trinucleotide repeat region; plus strand). Cytogenetic location: 19q13.32.
Variant type: single nucleotide variant.
Coding change: c.722C>T on transcript NM_175875.5 (MANE Select); coding-DNA position 722, C replaced by T.
Protein change: p.Ser241Leu; replaces serine 241 with leucine.
Molecular consequence: missense variant. On other transcripts: non-coding transcript variant (1).
Genome position (GRCh38, 1-based): chr19:45,768,123, G>A on the plus strand (C>T on the coding strand, the complement: SIX5 is on the minus strand). VCF-style: chr19-45768123-G-A. GRCh37 (hg19) VCF-style: chr19-46271381-G-A.
Other names: short protein forms S241L.
Identifiers: ClinVar variation 1995118 (VCV001995118.4), dbSNP rs373413972, ClinGen allele CA309001491.